The following is an entry in ClinVar:

ClinVar aggregate classification (germline): Benign/Likely benign. Review status: criteria provided, multiple submitters, no conflicts (2 of 4 stars). 4 submissions from 4 submitters: Benign (3); Likely benign (1). Last evaluated 2026-01-26.

Allele frequency attached by ClinVar (database versions not stated): ExAC 0.00264; gnomAD 0.00521 and 0.00549; TOPMed 0.00559; ESP Exome Variant Server 0.00562; 1000 Genomes Project 0.00719; 1000 Genomes Project 30x 0.00734; gnomAD exomes 0.00124.
gnomAD v4.1: 1,619 of 1,595,266 alleles (0.1%); highest among the groups gnomAD compares: African/African-American, 1.9%; 16 homozygotes.

Submissions (4):

Labcorp Genetics (formerly Invitae), Labcorp
Classification: Benign. Last evaluated: 2026-01-26. Review status: criteria provided, single submitter. Criteria: Invitae Variant Classification Sherloc (09022015). Collection method: clinical testing. Allele origin: germline.

Mayo Clinic Laboratories, Mayo Clinic
Classification: Likely benign. Last evaluated: 2025-04-21. Review status: criteria provided, single submitter. Criteria: ACMG Guidelines, 2015. Collection method: clinical testing. Allele origin: germline. Observed: 5 variant alleles.
Comment: BP4, BP7

Eurofins Ntd Llc (ga)
Classification: Benign. Last evaluated: 2015-03-02. Review status: criteria provided, single submitter. Criteria: EGL Classification Definitions 2015. Collection method: clinical testing. Allele origin: germline. Observed: 1 variant allele, 1 heterozygote.

Breakthrough Genomics
Classification: Benign. Review status: criteria provided, single submitter. Criteria: ACMG Guidelines, 2015. Collection method: not provided. Allele origin: germline. Inheritance: Unknown mechanism. Affected: yes.

NM_012254.3(SLC27A5):c.336G>A (p.Pro112=)

Gene: SLC27A5 (solute carrier family 27 member 5; minus strand). Cytogenetic location: 19q13.43.
Variant type: single nucleotide variant.
Coding change: c.336G>A on transcript NM_012254.3 (MANE Select); coding-DNA position 336, G replaced by A.
Protein change: p.Pro112=; no amino-acid change (proline 112 retained).
Molecular consequence: synonymous variant.
Genome position (GRCh38, 1-based): chr19:58,511,620, C>T on the plus strand (G>A on the coding strand, the complement: SLC27A5 is on the minus strand). VCF-style: chr19-58511620-C-T. GRCh37 (hg19) VCF-style: chr19-59022987-C-T.
Other names: p.Pro112=; c.336G>A, p.Pro112= (NM_001321196.2).
Identifiers: ClinVar variation 193364 (VCV000193364.15), dbSNP rs145284710, ClinGen allele CA200521.
Genomic context (GRCh38, chr19:58,511,620, plus strand): 5'-GAGTGCCCTGCCAGGCTGCGCTCGTGCTCGCCGCTCGAAGGCATCTACAAAGGTGTCAGG[C>T]GGCTGCCGGCTCAAGCATCCCCTGATCTTCAGGCCCAGGTGGAGGATCTTGGCCAAGAAG-3'
Protein context (NP_036386.1, residues 102-122): LKIRGCLSRQ[Pro112=]PDTFVDAFER